The following is an entry in ClinVar:

ClinVar aggregate classification (germline): Pathogenic. Review status: criteria provided, multiple submitters, no conflicts (2 of 4 stars). 3 submissions from 3 submitters: Pathogenic (3). Last evaluated 2025-07-01.

Conditions:
Familial thoracic aortic aneurysm and aortic dissection (TAAD). Also called: Thoracic aortic aneurysms and dissections. Identifiers: Orphanet 91387, MedGen C4707243, MONDO:0019625.
Hereditary cancer-predisposing syndrome. Also called: Neoplastic Syndromes, Hereditary; Tumor predisposition; Hereditary neoplastic syndrome; Hereditary Cancer Syndrome. Identifiers: Orphanet 140162, MedGen C0027672, MeSH D009386, MONDO:0015356.
Juvenile polyposis syndrome (JPS). Identifiers: Orphanet 2929, MedGen C0345893, MONDO:0017380, OMIM 174900.

Submissions (3):

Quest Diagnostics Nichols Institute San Juan Capistrano
Classification: Pathogenic. Last evaluated: 2025-07-01. Review status: criteria provided, single submitter. Criteria: Quest Diagnostics criteria. Collection method: clinical testing. Allele origin: unknown.
Comment: The SMAD4 c.906G>A (p.Trp302*) variant causes the premature termination of SMAD4 protein synthesis. This variant has not been reported in individuals with SMAD4-related conditions in the published literature. This variant has not been reported in large, multi-ethnic general populations (Genome Aggregation Database). Based on the available information, this variant is classified as pathogenic.

Labcorp Genetics (formerly Invitae), Labcorp
Classification: Pathogenic for Juvenile polyposis syndrome. Last evaluated: 2022-11-29. Review status: criteria provided, single submitter. Criteria: Invitae Variant Classification Sherloc (09022015). Collection method: clinical testing. Allele origin: germline.
Comment: For these reasons, this variant has been classified as Pathogenic. This variant has not been reported in the literature in individuals affected with SMAD4-related conditions. This sequence change creates a premature translational stop signal (p.Trp302*) in the SMAD4 gene. It is expected to result in an absent or disrupted protein product. Loss-of-function variants in SMAD4 are known to be pathogenic (PMID: 16152648, 16436638, 22810475). This variant is not present in population databases (gnomAD no frequency). ClinVar contains an entry for this variant (Variation ID: 240156).

Ambry Genetics
Classification: Pathogenic for Hereditary cancer-predisposing syndrome; Familial thoracic aortic aneurysm and aortic dissection. Last evaluated: 2018-06-29. Review status: criteria provided, single submitter. Criteria: Ambry Variant Classification Scheme 2023. Collection method: clinical testing. Allele origin: germline.
Comment: The p.W302* pathogenic mutation (also known as c.906G>A), located in coding exon 7 of the SMAD4 gene, results from a G to A substitution at nucleotide position 906. This changes the amino acid from a tryptophan to a stop codon within coding exon 7. This alteration is expected to result in loss of function by premature protein truncation or nonsense-mediated mRNA decay. As such, this alteration is interpreted as a disease-causing mutation.

Literature cited by the submitters: PubMed 16152648 (cited by Labcorp Genetics (formerly Invitae), Labcorp); PubMed 16436638 (cited by Labcorp Genetics (formerly Invitae), Labcorp); PubMed 22810475 (cited by Labcorp Genetics (formerly Invitae), Labcorp).

NM_005359.6(SMAD4):c.906G>A (p.Trp302Ter)

Gene: SMAD4 (SMAD family member 4; plus strand). Cytogenetic location: 18q21.2.
Variant type: single nucleotide variant.
Coding change: c.906G>A on transcript NM_005359.6 (MANE Select); coding-DNA position 906, G replaced by A.
Protein change: p.Trp302Ter; replaces tryptophan 302 with a stop codon.
Molecular consequence: nonsense.
Genome position (GRCh38, 1-based): chr18:51,059,867, G>A. VCF-style: chr18-51059867-G-A. GRCh37 (hg19) VCF-style: chr18-48586237-G-A.
Other names: short protein forms W302*.
Identifiers: ClinVar variation 240156 (VCV000240156.15), dbSNP rs878854769, ClinGen allele CA10583704.